The following is an entry in ClinVar:

NM_133496.5(SLC30A7):c.721A>G (p.Ile241Val)

Gene: SLC30A7 (solute carrier family 30 member 7; plus strand). Cytogenetic location: 1p21.2.
Variant type: single nucleotide variant.
Coding change: c.721A>G on transcript NM_133496.5 (MANE Select); coding-DNA position 721, A replaced by G.
Protein change: p.Ile241Val; replaces isoleucine 241 with valine.
Molecular consequence: missense variant.
Genome position (GRCh38, 1-based): chr1:100,921,720, A>G. VCF-style: chr1-100921720-A-G. GRCh37 (hg19) VCF-style: chr1-101387276-A-G.
Other names: c.721A>G (NM_133496.4); c.721A>G, p.Ile241Val (NM_001144884.2); short protein forms I241V.
Identifiers: ClinVar variation 1512283 (VCV001512283.7), dbSNP rs775144803, ClinGen allele CA972199.

ClinVar aggregate classification (germline): Uncertain significance. Review status: criteria provided, multiple submitters, no conflicts (2 of 4 stars). 2 submissions from 2 submitters: Uncertain significance (2). Last evaluated 2025-04-01.

Allele frequency attached by ClinVar (database versions not stated): gnomAD 0.00001; gnomAD exomes 0.00001 and 0.00003; ExAC 0.00002; TOPMed 0.00003.
gnomAD v4.1: 11 of 1,610,370 alleles (0.00068%); highest among the groups gnomAD compares: Admixed American, 0.017%; no homozygotes.

Submissions (2):

Ambry Genetics
Classification: Uncertain significance. Last evaluated: 2025-04-01. Review status: criteria provided, single submitter. Criteria: Ambry Variant Classification Scheme 2023. Collection method: clinical testing. Allele origin: germline.

Labcorp Genetics (formerly Invitae), Labcorp
Classification: Uncertain significance. Last evaluated: 2022-09-27. Review status: criteria provided, single submitter. Criteria: Invitae Variant Classification Sherloc (09022015). Collection method: clinical testing. Allele origin: germline.
Comment: ClinVar contains an entry for this variant (Variation ID: 1512283). In summary, the available evidence is currently insufficient to determine the role of this variant in disease. Therefore, it has been classified as a Variant of Uncertain Significance. Algorithms developed to predict the effect of missense changes on protein structure and function (SIFT, PolyPhen-2, Align-GVGD) all suggest that this variant is likely to be disruptive. This variant has not been reported in the literature in individuals affected with SLC30A7-related conditions. This variant is present in population databases (rs775144803, gnomAD 0.02%). This sequence change replaces isoleucine, which is neutral and non-polar, with valine, which is neutral and non-polar, at codon 241 of the SLC30A7 protein (p.Ile241Val).